The following is an entry in ClinVar:

ClinVar aggregate classification (germline): Pathogenic (1 of 4 stars; one submission).

Conditions:
Schimke immuno-osseous dysplasia (SIOD). Also called: Schimke Immunoosseous Dysplasia. Identifiers: Orphanet 1830, MedGen C0877024, MONDO:0009458, OMIM 242900.

Submission:

Labcorp Genetics (formerly Invitae), Labcorp
Classification: Pathogenic for Schimke immuno-osseous dysplasia. Last evaluated: 2023-04-26. Review status: criteria provided, single submitter. Criteria: Invitae Variant Classification Sherloc (09022015). Collection method: clinical testing. Allele origin: germline.
Comment: This sequence change creates a premature translational stop signal (p.Ser77Ilefs*2) in the SMARCAL1 gene. It is expected to result in an absent or disrupted protein product. Loss-of-function variants in SMARCAL1 are known to be pathogenic (PMID: 11799392, 20301550). This variant is not present in population databases (gnomAD no frequency). This variant has not been reported in the literature in individuals affected with SMARCAL1-related conditions. For these reasons, this variant has been classified as Pathogenic.

Literature cited by the submitters: PubMed 11799392; PubMed 20301550.

NM_014140.4(SMARCAL1):c.230_237del (p.Ser77fs)

Gene: SMARCAL1 (SNF2 related chromatin remodeling annealing helicase 1; plus strand). Cytogenetic location: 2q35.
Variant type: Deletion.
Coding change: c.230_237del on transcript NM_014140.4 (MANE Select); coding-DNA positions 230 to 237, 8 bases deleted (GTAGCTCA; older notation c.230_237delGTAGCTCA).
Protein change: p.Ser77fs; shifts the reading frame from serine 77.
Molecular consequence: frameshift variant.
Genome position (GRCh38, 1-based): chr2:216,414,934-216,414,941, GTAGCTCA deleted; deleting any 8 consecutive bases within chr2:216,414,930-216,414,941 gives the same sequence; the c. name uses the placement nearest the transcript's 3' end. VCF-style (leftmost placement, unchanged base first): chr2-216414929-TCTCAGTAG-T. GRCh37 (hg19) VCF-style: chr2-217279652-TCTCAGTAG-T.
Other names: c.230_237del, p.Ser77fs (NM_001127207.2); short protein forms S77fs.
Identifiers: ClinVar variation 2859460 (VCV002859460.3), dbSNP rs2469610910, ClinGen allele CA2739278286.